The following is an entry in ClinVar:

NM_000326.5(RLBP1):c.19A>G (p.Thr7Ala)

Gene: RLBP1 (retinaldehyde binding protein 1; minus strand). Cytogenetic location: 15q26.1.
Variant type: single nucleotide variant.
Coding change: c.19A>G on transcript NM_000326.5 (MANE Select); coding-DNA position 19, A replaced by G.
Protein change: p.Thr7Ala; replaces threonine 7 with alanine.
Molecular consequence: missense variant.
Genome position (GRCh38, 1-based): chr15:89,218,687, T>C on the plus strand (A>G on the coding strand, the complement: RLBP1 is on the minus strand). VCF-style: chr15-89218687-T-C. GRCh37 (hg19) VCF-style: chr15-89761918-T-C.
Other names: short protein forms T7A.
Identifiers: ClinVar variation 2062643 (VCV002062643.4), dbSNP rs2505865262, ClinGen allele CA393731913.
Genomic context (GRCh38, chr15:89,218,687, plus strand): 5'-TTGTGAGCTGCTCCAGTTGGGCACGGAGCTCCTGTTCCTCTTCAGGTACCATGCGGAACG[T>C]GCCCACCTGGGCAGAGAAAGGAAAAAGAGGAACAGCCAACCGCATCAGCCTGAGCCAGCC-3'
Protein context (NP_000317.1, residues 1-17): MSEGVG[Thr7Ala]FRMVPEEEQE

ClinVar aggregate classification (germline): Uncertain significance (1 of 4 stars; one submission).

Allele frequency attached by ClinVar (database versions not stated): gnomAD exomes below 0.00001.
gnomAD v4.1: 2 of 1,614,152 alleles (0.00012%); highest among the groups gnomAD compares: Admixed American, 0.0017%; no homozygotes.

Submission:

Labcorp Genetics (formerly Invitae), Labcorp
Classification: Uncertain significance. Last evaluated: 2023-12-18. Review status: criteria provided, single submitter. Criteria: Invitae Variant Classification Sherloc (09022015). Collection method: clinical testing. Allele origin: germline.
Comment: This sequence change replaces threonine, which is neutral and polar, with alanine, which is neutral and non-polar, at codon 7 of the RLBP1 protein (p.Thr7Ala). This variant is not present in population databases (gnomAD no frequency). This variant has not been reported in the literature in individuals affected with RLBP1-related conditions. ClinVar contains an entry for this variant (Variation ID: 2062643). An algorithm developed to predict the effect of missense changes on protein structure and function (PolyPhen-2) suggests that this variant is likely to be tolerated. In summary, the available evidence is currently insufficient to determine the role of this variant in disease. Therefore, it has been classified as a Variant of Uncertain Significance.